The following is an entry in ClinVar:

NM_052945.4(TNFRSF13C):c.181G>A (p.Glu61Lys)

Genes: TNFRSF13C (TNF receptor superfamily member 13C; minus strand), LOC130067574 (ATAC-STARR-seq lymphoblastoid silent region 13813; plus strand). Cytogenetic location: 22q13.2.
Variant type: single nucleotide variant.
Coding change: c.181G>A on transcript NM_052945.4 (MANE Select); coding-DNA position 181, G replaced by A.
Protein change: p.Glu61Lys; replaces glutamic acid 61 with lysine.
Molecular consequence: missense variant.
Genome position (GRCh38, 1-based): chr22:41,926,287, C>T on the plus strand (G>A on the coding strand, the complement: TNFRSF13C is on the minus strand). VCF-style: chr22-41926287-C-T. GRCh37 (hg19) VCF-style: chr22-42322291-C-T.
Other names: short protein forms E61K.
Identifiers: ClinVar variation 487213 (VCV000487213.7), dbSNP rs1052712048, ClinGen allele CA324633622.

ClinVar aggregate classification (germline): Uncertain significance (1 of 4 stars; one submission).

Conditions:
Immunodeficiency, common variable, 4. Also called: ANTIBODY DEFICIENCY DUE TO BAFFR DEFECT. Identifiers: Orphanet 1572, Orphanet 696925, MedGen C3150739, MONDO:0013284, OMIM 613494.

Allele frequency attached by ClinVar (database versions not stated): gnomAD exomes 0.00002 and 0.00001; TOPMed 0.00008; gnomAD 0.00006.
gnomAD v4.1: 24 of 1,484,982 alleles (0.0016%); highest among the groups gnomAD compares: African/African-American, 0.01%; no homozygotes.

Submission:

Labcorp Genetics (formerly Invitae), Labcorp
Classification: Uncertain significance for Immunodeficiency, common variable, 4. Last evaluated: 2025-11-16. Review status: criteria provided, single submitter. Criteria: Invitae Variant Classification Sherloc (09022015). Collection method: clinical testing. Allele origin: germline.
Comment: This sequence change replaces glutamic acid, which is acidic and polar, with lysine, which is basic and polar, at codon 61 of the TNFRSF13C protein (p.Glu61Lys). This variant is present in population databases (no rsID available, gnomAD 0.01%). This variant has not been reported in the literature in individuals affected with TNFRSF13C-related conditions. ClinVar contains an entry for this variant (Variation ID: 487213). An algorithm developed to predict the effect of missense changes on protein structure and function (PolyPhen-2) suggests that this variant is likely to be tolerated. In summary, the available evidence is currently insufficient to determine the role of this variant in disease. Therefore, it has been classified as a Variant of Uncertain Significance.